The following is an entry in ClinVar:

NM_001349253.2(SCN11A):c.5036G>A (p.Arg1679His)

Gene: SCN11A (sodium voltage-gated channel alpha subunit 11; minus strand). Cytogenetic location: 3p22.2.
Variant type: single nucleotide variant.
Coding change: c.5036G>A on transcript NM_001349253.2 (MANE Select); coding-DNA position 5036, G replaced by A.
Protein change: p.Arg1679His; replaces arginine 1679 with histidine.
Molecular consequence: missense variant.
Genome position (GRCh38, 1-based): chr3:38,847,034, C>T on the plus strand (G>A on the coding strand, the complement: SCN11A is on the minus strand). VCF-style: chr3-38847034-C-T. GRCh37 (hg19) VCF-style: chr3-38888525-C-T.
Other names: c.5036G>A, p.Arg1679His (NM_014139.3); short protein forms R1679H.
Identifiers: ClinVar variation 641532 (VCV000641532.6), dbSNP rs769083302, ClinGen allele CA2321416.

ClinVar aggregate classification (germline): Uncertain significance. Review status: criteria provided, multiple submitters, no conflicts (2 of 4 stars). 2 submissions from 2 submitters: Uncertain significance (2). Last evaluated 2026-04-02.

Conditions:
Hereditary sensory and autonomic neuropathy type 7. Also called: Neuropathy, hereditary sensory and autonomic, type VII; HSAN VII. Identifiers: Orphanet 391397, MedGen C3809882, MONDO:0014244, OMIM 615548.
Familial episodic pain syndrome with predominantly lower limb involvement. Also called: Episodic pain syndrome, familial, 3. Identifiers: Orphanet 391384, Orphanet 391392, MedGen C3809899, MONDO:0014247, OMIM 615552.

Allele frequency attached by ClinVar (database versions not stated): gnomAD 0.00001; ExAC below 0.00001; gnomAD exomes 0.00001.
gnomAD v4.1: 40 of 1,613,636 alleles (0.0025%); highest among the groups gnomAD compares: Non-Finnish European, 0.0029%; no homozygotes.

Submissions (2):

GeneDx
Classification: Uncertain significance. Last evaluated: 2026-04-02. Review status: criteria provided, single submitter. Criteria: GeneDx Variant Classification Process June 2021. Collection method: clinical testing. Allele origin: germline.
Comment: In silico analysis supports that this missense variant has a deleterious effect on protein structure/function; Has not been previously published as pathogenic or benign to our knowledge

Labcorp Genetics (formerly Invitae), Labcorp
Classification: Uncertain significance for Familial episodic pain syndrome with predominantly lower limb involvement; Hereditary sensory and autonomic neuropathy type 7. Last evaluated: 2024-01-30. Review status: criteria provided, single submitter. Criteria: Invitae Variant Classification Sherloc (09022015). Collection method: clinical testing. Allele origin: germline.
Comment: This sequence change replaces arginine, which is basic and polar, with histidine, which is basic and polar, at codon 1679 of the SCN11A protein (p.Arg1679His). This variant is present in population databases (rs769083302, gnomAD 0.006%). This variant has not been reported in the literature in individuals affected with SCN11A-related conditions. ClinVar contains an entry for this variant (Variation ID: 641532). Advanced modeling of protein sequence and biophysical properties (such as structural, functional, and spatial information, amino acid conservation, physicochemical variation, residue mobility, and thermodynamic stability) performed at Invitae indicates that this missense variant is expected to disrupt SCN11A protein function with a positive predictive value of 80%. In summary, the available evidence is currently insufficient to determine the role of this variant in disease. Therefore, it has been classified as a Variant of Uncertain Significance.